The following is an entry in ClinVar:

ClinVar aggregate classification (germline): Likely pathogenic (1 of 4 stars; one submission).

Conditions:
LAMA2-related muscular dystrophy (LAMA2-RD). Also called: Laminin alpha 2-related dystrophy. Identifiers: MedGen C5679788, MONDO:0100228.

Submission:

Labcorp Genetics (formerly Invitae), Labcorp
Classification: Likely pathogenic for LAMA2-related muscular dystrophy. Last evaluated: 2022-10-18. Review status: criteria provided, single submitter. Criteria: Invitae Variant Classification Sherloc (09022015). Collection method: clinical testing. Allele origin: unknown.
Comment: This variant results in the deletion of exon 4 and part of exon 5 (c.396+12116_771delinsTAA) of the LAMA2 gene. It is expected to disrupt RNA splicing. Variants that disrupt the donor or acceptor splice site typically lead to a loss of protein function (PMID: 16199547), and loss-of-function variants in LAMA2 are known to be pathogenic (PMID: 18700894, 32904964). In summary, the currently available evidence indicates that the variant is pathogenic, but additional data are needed to prove that conclusively. Therefore, this variant has been classified as Likely Pathogenic. This variant has not been reported in the literature in individuals affected with LAMA2-related conditions.

Literature cited by the submitters: PubMed 16199547; PubMed 18700894; PubMed 32904964.

NC_000006.11:g.(?_129393157)_(129465177_?)del

Gene: LAMA2 (laminin subunit alpha 2; plus strand). Cytogenetic location: 6q22.33.
Variant type: Deletion.
Identifiers: ClinVar variation 3246072 (VCV003246072.1).